The following is an entry in ClinVar:

ClinVar aggregate classification (germline): Benign (1 of 4 stars; one submission).

Conditions:
Ulnar-mammary syndrome (UMS). Also called: SCHINZEL SYNDROME; Ulnar-mammary syndrome of Pallister; PALLISTER ULNAR-MAMMARY SYNDROME. Identifiers: Orphanet 3138, MedGen C1866994, MONDO:0008411, OMIM 181450.

Allele frequency attached by ClinVar (database versions not stated): TOPMed 0.00007; gnomAD exomes 0.00013; gnomAD 0.00030; 1000 Genomes Project 30x 0.00047; 1000 Genomes Project 0.00060.
gnomAD v4.1: 66 of 313,238 alleles (0.021%); highest among the groups gnomAD compares: East Asian, 0.081%; 2 homozygotes.

Submission:

Illumina Laboratory Services, Illumina
Classification: Benign for Ulnar-mammary syndrome. Last evaluated: 2018-01-13. Review status: criteria provided, single submitter. Criteria: ICSL Variant Classification Criteria 13 December 2019. Collection method: clinical testing. Allele origin: germline.
Comment: This variant was observed in the ICSL laboratory as part of a predisposition screen in an ostensibly healthy population. It had not been previously curated by ICSL or reported in the Human Gene Mutation Database (HGMD: prior to June 1st, 2018), and was therefore a candidate for classification through an automated scoring system. Utilizing variant allele frequency, disease prevalence and penetrance estimates, and inheritance mode, an automated score was calculated to assess if this variant is too frequent to cause the disease. Based on the score and internal cut-off values, a variant classified as benign is not then subjected to further curation. The score for this variant resulted in a classification of benign for this disease.

NM_005996.4(TBX3):c.-366G>T

Genes: TBX3-AS1 (TBX3 antisense RNA 1; plus strand), TBX3 (T-box transcription factor 3; minus strand). Cytogenetic location: 12q24.21.
Variant type: single nucleotide variant.
Coding change: c.-366G>T on transcript NM_005996.4 (MANE Select); 366 bases upstream of the start codon, G replaced by T.
Molecular consequence: 5 prime UTR variant.
Genome position (GRCh38, 1-based): chr12:114,683,566, C>A on the plus strand (G>T on the coding strand, the complement: TBX3 is on the minus strand). VCF-style: chr12-114683566-C-A. GRCh37 (hg19) VCF-style: chr12-115121371-C-A.
Other names: c.-366G>T (NM_016569.4).
Identifiers: ClinVar variation 307390 (VCV000307390.5), dbSNP rs527797282, ClinGen allele CA10632116.